The following is an entry in ClinVar:

NM_007078.3(LDB3):c.2136del (p.Lys713fs)

Gene: LDB3 (LIM domain binding 3; plus strand). Cytogenetic location: 10q23.2.
Variant type: Deletion.
Coding change: c.2136del on transcript NM_007078.3 (MANE Select); coding-DNA position 2136, one base deleted (G; older notation c.2136delG).
Protein change: p.Lys713fs; shifts the reading frame from lysine 713.
Molecular consequence: frameshift variant.
Genome position (GRCh38, 1-based): chr10:86,732,928, G deleted. VCF-style (leftmost placement, unchanged base first): chr10-86732927-AG-A. GRCh37 (hg19) VCF-style: chr10-88492684-AG-A.
Other names: c.1806del, p.Lys603fs (NM_001080114.2); c.2151del, p.Lys718fs (NM_001171610.2); c.1947del, p.Lys650fs (NM_001368064.1, NM_001368065.1); c.1995del, p.Lys666fs (NM_001368066.1); short protein forms K666fs, K603fs, K718fs, K650fs, K713fs.
Identifiers: ClinVar variation 970249 (VCV000970249.8), dbSNP rs1847527465, ClinGen allele CA1139661584.
Genomic context (GRCh38, chr10:86,732,927, plus strand): 5'-AGGTCTGTTCTCTGCTCCAGGTCTGCCATGTGAATCTGGAGGGGCAGCCGTTCTACTCCA[AG>A]AAGGACAGACCCCTGTGCAAGAAGCACGCACACACCATCAACTTGTAGGCGGCCAAGGCC-3'

ClinVar aggregate classification (germline): Uncertain significance (1 of 4 stars; one submission).

Conditions:
Myofibrillar myopathy 4. Also called: Zaspopathy (type). Identifiers: Orphanet 98912, MedGen C4721886, MONDO:0012277, OMIM 609452.

Submission:

Labcorp Genetics (formerly Invitae), Labcorp
Classification: Uncertain significance for Myofibrillar myopathy 4. Last evaluated: 2019-07-12. Review status: criteria provided, single submitter. Criteria: Invitae Variant Classification Sherloc (09022015). Collection method: clinical testing. Allele origin: germline.
Comment: In summary, the available evidence is currently insufficient to determine the role of this variant in disease. Therefore, it has been classified as a Variant of Uncertain Significance. This sequence change results in a frameshift in the LDB3 gene (p.Lys713Argfs*60). While this is not anticipated to result in nonsense mediated decay, it is expected to disrupt the last 15 amino acids of the LDB3 protein and extend the protein by an additional 44 amino acids. The LDB3 gene has multiple clinically relevant transcripts. The p.Lys713Argfs*60 variant occurs in alternate transcript NM_007078.2, which corresponds to c.*33554del in NM_001080116.1, the primary transcript listed in the Methods. This variant has not been reported in the literature in individuals with LDB3-related conditions. This variant is not present in population databases (ExAC no frequency).